The following is an entry in ClinVar:

NM_000486.6(AQP2):c.785del (p.Pro262fs)

Genes: AQP2 (aquaporin 2; plus strand), AQP5-AS1 (AQP5 and AQP2 antisense RNA 2; minus strand). Cytogenetic location: 12q13.12.
Variant type: Deletion.
Coding change: c.785del on transcript NM_000486.6 (MANE Select); coding-DNA position 785, one base deleted (C; older notation c.785delC).
Protein change: p.Pro262fs; shifts the reading frame from proline 262.
Molecular consequence: frameshift variant.
Genome position (GRCh38, 1-based): chr12:49,955,577, C deleted; the last of 2 consecutive C bases (chr12:49,955,576-49,955,577); deleting either gives the same sequence. VCF-style (leftmost placement, unchanged base first): chr12-49955575-GC-G. GRCh37 (hg19) VCF-style: chr12-50349358-GC-G.
Other names: c.785delC (NM_000486.5); short protein forms P262fs.
Identifiers: ClinVar variation 35696 (VCV000035696.3), dbSNP rs193922496, ClinGen allele CA260126.

ClinVar aggregate classification (germline): Likely pathogenic (1 of 4 stars; one submission).

Conditions:
Nephrogenic diabetes insipidus. Identifiers: Orphanet 223, MedGen C0162283, MONDO:0016383, HP:0009806.

Submission:

Women's Health and Genetics/Laboratory Corporation of America, LabCorp
Classification: Likely pathogenic for Nephrogenic Diabetes Insipidus. Last evaluated: 2011-08-18. Review status: criteria provided, single submitter. Criteria: LabCorp Variant Classification Summary - May 2015. Collection method: curation, clinical testing. Allele origin: germline. Inheritance: autosomal unknown. Affected: yes.
ClinVar note: Converted during submission from likely pathogenic to Likely pathogenic.